The following is an entry in ClinVar:

ClinVar aggregate classification (germline): Uncertain significance (1 of 4 stars; one submission).

Submission:

GeneDx
Classification: Uncertain significance. Last evaluated: 2025-07-21. Review status: criteria provided, single submitter. Criteria: GeneDx Variant Classification Process June 2021. Collection method: clinical testing. Allele origin: germline. Affected: yes.
Comment: Not observed at significant frequency in large population cohorts (gnomAD); In silico analysis suggests that this missense variant does not alter protein structure/function; Has not been previously published as pathogenic or benign to our knowledge

NM_004370.6(COL12A1):c.6481G>A (p.Ala2161Thr)

Gene: COL12A1 (collagen type XII alpha 1 chain; minus strand). Cytogenetic location: 6q13.
Variant type: single nucleotide variant.
Coding change: c.6481G>A on transcript NM_004370.6 (MANE Select); coding-DNA position 6481, G replaced by A.
Protein change: p.Ala2161Thr; replaces alanine 2161 with threonine.
Molecular consequence: missense variant.
Genome position (GRCh38, 1-based): chr6:75,125,253, C>T on the plus strand (G>A on the coding strand, the complement: COL12A1 is on the minus strand). VCF-style: chr6-75125253-C-T. GRCh37 (hg19) VCF-style: chr6-75834969-C-T.
Other names: c.6481G>A, p.Ala2161Thr (NM_001424113.1); c.6460G>A, p.Ala2154Thr (NM_001424114.1); c.6208G>A, p.Ala2070Thr (NM_001424115.1); c.2989G>A, p.Ala997Thr (NM_001424116.1, NM_080645.3); short protein forms A2070T, A2154T, A2161T, A997T.
Identifiers: ClinVar variation 4686970 (VCV004686970.1).
Genomic context (GRCh38, chr6:75,125,253, plus strand): 5'-CGTAGGTGGTGCTGGGATTGAGATTGTGTAAGGTATATGATGTCATTTCTCCAACAAAGG[C>T]TTCCATGGGCTCATTGGAACCTTTATTAACAACCACAAAAATACACAGAAACATGCCATC-3'
Protein context (NP_004361.3, residues 2151-2171): KPVGSNEPME[Ala2161Thr]FVGEMTSYTL